The following is an entry in ClinVar:

NM_001042475.3(CEP85L):c.939T>A (p.Asn313Lys)

Gene: CEP85L (centrosomal protein 85 like; minus strand). Cytogenetic location: 6q22.31.
Variant type: single nucleotide variant.
Coding change: c.939T>A on transcript NM_001042475.3 (MANE Select); coding-DNA position 939, T replaced by A.
Protein change: p.Asn313Lys; replaces asparagine 313 with lysine.
Molecular consequence: missense variant.
Genome position (GRCh38, 1-based): chr6:118,565,610, A>T on the plus strand (T>A on the coding strand, the complement: CEP85L is on the minus strand). VCF-style: chr6-118565610-A-T. GRCh37 (hg19) VCF-style: chr6-118886773-A-T.
Other names: c.948T>A, p.Asn316Lys (NM_001178035.2); c.939T>A, p.Asn313Lys (NM_206921.3); short protein forms N313K, N316K.
Identifiers: ClinVar variation 3336356 (VCV003336356.1).
Genomic context (GRCh38, chr6:118,565,610, plus strand): 5'-TTGTCGAAAGTCTTCAATTTGCTGCTGTTGCCAAGGAGCTAAACTGTAAGAATCCTCTGT[A>T]TTTCTACCTTCCAAAGGATTTGTCCGCAGCTGCTCTGTAAGCCACATCTGAGTCCTTACG-3'
Protein context (NP_001035940.1, residues 303-323): QLRTNPLEGR[Asn313Lys]TEDSYSLAPW

ClinVar aggregate classification (germline): Uncertain significance (1 of 4 stars; one submission).

gnomAD v4.1: 2 of 1,614,062 alleles (0.00012%); highest among the groups gnomAD compares: Admixed American, 0.0017%; no homozygotes.

Submission:

Women's Health and Genetics/Laboratory Corporation of America, LabCorp
Classification: Uncertain significance. Last evaluated: 2024-05-28. Review status: criteria provided, single submitter. Criteria: LabCorp Variant Classification Summary - May 2015. Collection method: clinical testing. Allele origin: germline.
Comment: Variant summary: CEP85L c.939T>A (p.Asn313Lys) results in a non-conservative amino acid change in the encoded protein sequence. Four of five in-silico tools predict a benign effect of the variant on protein function. The variant was absent in 251302 control chromosomes (gnomAD). The available data on variant occurrences in the general population are insufficient to allow any conclusion about variant significance. To our knowledge, no occurrence of c.939T>A in individuals affected with Lissencephaly 10 and no experimental evidence demonstrating its impact on protein function have been reported. No submitters have cited clinical-significance assessments for this variant to ClinVar. Based on the evidence outlined above, the variant was classified as uncertain significance.